The following is an entry in ClinVar:

ClinVar aggregate classification (germline): Uncertain significance (1 of 4 stars; one submission).

Allele frequency attached by ClinVar (database versions not stated): gnomAD exomes below 0.00001.
gnomAD v4.1: 1 of 1,614,126 alleles (0.000062%); highest among the groups gnomAD compares: Non-Finnish European, 0.000085%; no homozygotes.

Submission:

Labcorp Genetics (formerly Invitae), Labcorp
Classification: Uncertain significance. Last evaluated: 2023-04-24. Review status: criteria provided, single submitter. Criteria: Invitae Variant Classification Sherloc (09022015). Collection method: clinical testing. Allele origin: germline.
Comment: Algorithms developed to predict the effect of missense changes on protein structure and function output the following: SIFT: "Not Available"; PolyPhen-2: "Not Available"; Align-GVGD: "Not Available". The leucine amino acid residue is found in multiple mammalian species, which suggests that this missense change does not adversely affect protein function. In summary, the available evidence is currently insufficient to determine the role of this variant in disease. Therefore, it has been classified as a Variant of Uncertain Significance. This variant has not been reported in the literature in individuals affected with HYOU1-related conditions. This sequence change replaces valine, which is neutral and non-polar, with leucine, which is neutral and non-polar, at codon 14 of the HYOU1 protein (p.Val14Leu). This variant is not present in population databases (gnomAD no frequency).

NM_006389.5(HYOU1):c.40G>C (p.Val14Leu)

Gene: HYOU1 (hypoxia up-regulated 1; minus strand). Cytogenetic location: 11q23.3.
Variant type: single nucleotide variant.
Coding change: c.40G>C on transcript NM_006389.5 (MANE Select); coding-DNA position 40, G replaced by C.
Protein change: p.Val14Leu; replaces valine 14 with leucine.
Molecular consequence: missense variant.
Genome position (GRCh38, 1-based): chr11:119,056,121, C>G on the plus strand (G>C on the coding strand, the complement: HYOU1 is on the minus strand). VCF-style: chr11-119056121-C-G.
Other names: c.40G>C, p.Val14Leu (NM_001130991.3, NM_001411041.1); short protein forms V14L.
Identifiers: ClinVar variation 2722284 (VCV002722284.3), dbSNP rs2497215847, ClinGen allele CA382955302.